The following is an entry in ClinVar:

NM_025179.4(PLXNA2):c.1376G>A (p.Arg459Gln)

Gene: PLXNA2 (plexin A2; minus strand). Cytogenetic location: 1q32.2.
Variant type: single nucleotide variant.
Coding change: c.1376G>A on transcript NM_025179.4 (MANE Select); coding-DNA position 1376, G replaced by A.
Protein change: p.Arg459Gln; replaces arginine 459 with glutamine.
Molecular consequence: missense variant.
Genome position (GRCh38, 1-based): chr1:208,142,459, C>T on the plus strand (G>A on the coding strand, the complement: PLXNA2 is on the minus strand). VCF-style: chr1-208142459-C-T. GRCh37 (hg19) VCF-style: chr1-208315804-C-T.
Other names: c.1376G>A (NM_025179.3); short protein forms R459Q.
Identifiers: ClinVar variation 1943555 (VCV001943555.6), dbSNP rs1435900172, ClinGen allele CA344554799.
Genomic context (GRCh38, chr1:208,142,459, plus strand): 5'-CCGTCCTTGAGCACAGAGACCATCTCGTACTGGACCCCACCATGGGGGGGACCGTCGGCC[C>T]GAATCTGTATGAGAAACAAGGGTGTCCTCAGCATCTGCCCTCAGTATTCCCCTGTGGGCT-3'
Protein context (NP_079455.3, residues 449-469): GTKSGKLKKI[Arg459Gln]ADGPPHGGVQ

ClinVar aggregate classification (germline): Uncertain significance. Review status: criteria provided, single submitter (1 of 4 stars). 2 submissions from 2 submitters: Uncertain significance (1). 1 of the submissions does not count toward it. Last evaluated 2023-08-31.

Conditions:
PLXNA2-related disorder. Also called: PLXNA2-related condition.

Allele frequency attached by ClinVar (database versions not stated): gnomAD 0.00001; gnomAD exomes 0.00001; TOPMed 0.00002.
gnomAD v4.1: 12 of 1,604,962 alleles (0.00075%); highest among the groups gnomAD compares: East Asian, 0.0045%; no homozygotes.

Submissions (2):

Labcorp Genetics (formerly Invitae), Labcorp
Classification: Uncertain significance. Last evaluated: 2023-08-31. Review status: criteria provided, single submitter. Criteria: Invitae Variant Classification Sherloc (09022015). Collection method: clinical testing. Allele origin: germline.
Comment: In summary, the available evidence is currently insufficient to determine the role of this variant in disease. Therefore, it has been classified as a Variant of Uncertain Significance. Advanced modeling of protein sequence and biophysical properties (such as structural, functional, and spatial information, amino acid conservation, physicochemical variation, residue mobility, and thermodynamic stability) has been performed at Invitae for this missense variant, however the output from this modeling did not meet the statistical confidence thresholds required to predict the impact of this variant on PLXNA2 protein function. ClinVar contains an entry for this variant (Variation ID: 1943555). This variant has not been reported in the literature in individuals affected with PLXNA2-related conditions. This variant is present in population databases (no rsID available, gnomAD 0.007%). This sequence change replaces arginine, which is basic and polar, with glutamine, which is neutral and polar, at codon 459 of the PLXNA2 protein (p.Arg459Gln).

PreventionGenetics, part of Exact Sciences
Classification: Uncertain significance for PLXNA2-related condition. Last evaluated: 2024-01-31. Review status: no assertion criteria provided. Collection method: clinical testing. Allele origin: germline. Not counted in ClinVar's aggregate classification.
Comment: The PLXNA2 c.1376G>A variant is predicted to result in the amino acid substitution p.Arg459Gln. To our knowledge, this variant has not been reported in the literature. This variant is reported in 0.011% of alleles in individuals of East Asian descent in gnomAD. At this time, the clinical significance of this variant is uncertain due to the absence of conclusive functional and genetic evidence.